The following is an entry in ClinVar:

ClinVar aggregate classification (germline): Uncertain significance. Review status: criteria provided, multiple submitters, no conflicts (2 of 4 stars). 2 submissions from 2 submitters: Uncertain significance (2). Last evaluated 2025-12-24.

Conditions:
Hereditary cancer-predisposing syndrome. Also called: Hereditary Cancer Syndrome; Hereditary neoplastic syndrome; Neoplastic Syndromes, Hereditary; Tumor predisposition. Identifiers: Orphanet 140162, MedGen C0027672, MeSH D009386, MONDO:0015356.
Cardiovascular phenotype. Identifiers: MedGen CN230736.

Allele frequency attached by ClinVar (database versions not stated): gnomAD exomes below 0.00001 and 0.00001; TOPMed below 0.00001.
gnomAD v4.1: 21 of 1,613,218 alleles (0.0013%); highest among the groups gnomAD compares: East Asian, 0.011%; no homozygotes.

Submissions (2):

Labcorp Genetics (formerly Invitae), Labcorp
Classification: Uncertain significance. Last evaluated: 2025-12-24. Review status: criteria provided, single submitter. Criteria: Invitae Variant Classification Sherloc (09022015). Collection method: clinical testing. Allele origin: germline.
Comment: This sequence change replaces leucine, which is neutral and non-polar, with proline, which is neutral and non-polar, at codon 786 of the LZTR1 protein (p.Leu786Pro). This variant is present in population databases (no rsID available, gnomAD 0.003%). This variant has not been reported in the literature in individuals affected with LZTR1-related conditions. ClinVar contains an entry for this variant (Variation ID: 1432795). Invitae Evidence Modeling of protein sequence and biophysical properties (such as structural, functional, and spatial information, amino acid conservation, physicochemical variation, residue mobility, and thermodynamic stability) indicates that this missense variant is not expected to disrupt LZTR1 protein function with a negative predictive value of 80%. In summary, the available evidence is currently insufficient to determine the role of this variant in disease. Therefore, it has been classified as a Variant of Uncertain Significance.

Ambry Genetics
Classification: Uncertain significance for Cardiovascular phenotype; Hereditary cancer-predisposing syndrome. Last evaluated: 2025-01-20. Review status: criteria provided, single submitter. Criteria: Ambry Variant Classification Scheme 2023. Collection method: clinical testing. Allele origin: germline.
Comment: The p.L786P variant (also known as c.2357T>C), located in coding exon 20 of the LZTR1 gene, results from a T to C substitution at nucleotide position 2357. The leucine at codon 786 is replaced by proline, an amino acid with similar properties. This amino acid position is well conserved in available vertebrate species. In addition, the in silico prediction for this alteration is inconclusive. Since supporting evidence is limited at this time, the clinical significance of this alteration remains unclear.

NM_006767.4(LZTR1):c.2357T>C (p.Leu786Pro)

Gene: LZTR1 (leucine zipper like post translational regulator 1; plus strand). Cytogenetic location: 22q11.21.
Variant type: single nucleotide variant.
Coding change: c.2357T>C on transcript NM_006767.4 (MANE Select); coding-DNA position 2357, T replaced by C.
Protein change: p.Leu786Pro; replaces leucine 786 with proline.
Molecular consequence: missense variant.
Genome position (GRCh38, 1-based): chr22:20,996,917, T>C. VCF-style: chr22-20996917-T-C. GRCh37 (hg19) VCF-style: chr22-21351206-T-C.
Other names: short protein forms L786P.
Identifiers: ClinVar variation 1432795 (VCV001432795.11), dbSNP rs1164174103, ClinGen allele CA410781034.